The following is an entry in ClinVar:

ClinVar aggregate classification (germline): Uncertain significance (1 of 4 stars; one submission).

Allele frequency attached by ClinVar (database versions not stated): gnomAD 0.00001; TOPMed below 0.00001.

Submission:

Labcorp Genetics (formerly Invitae), Labcorp
Classification: Uncertain significance. Last evaluated: 2022-04-23. Review status: criteria provided, single submitter. Criteria: Invitae Variant Classification Sherloc (09022015). Collection method: clinical testing. Allele origin: germline.
Comment: In summary, the available evidence is currently insufficient to determine the role of this variant in disease. Therefore, it has been classified as a Variant of Uncertain Significance. Algorithms developed to predict the effect of missense changes on protein structure and function are either unavailable or do not agree on the potential impact of this missense change (SIFT: "Deleterious"; PolyPhen-2: "Probably Damaging"; Align-GVGD: "Class C0"). This sequence change replaces leucine, which is neutral and non-polar, with phenylalanine, which is neutral and non-polar, at codon 303 of the XYLT2 protein (p.Leu303Phe). This variant is not present in population databases (gnomAD no frequency). This variant has not been reported in the literature in individuals affected with XYLT2-related conditions.

NM_022167.4(XYLT2):c.907C>T (p.Leu303Phe)

Gene: XYLT2 (xylosyltransferase 2; plus strand). Cytogenetic location: 17q21.33.
Variant type: single nucleotide variant.
Coding change: c.907C>T on transcript NM_022167.4 (MANE Select); coding-DNA position 907, C replaced by T.
Protein change: p.Leu303Phe; replaces leucine 303 with phenylalanine.
Molecular consequence: missense variant.
Genome position (GRCh38, 1-based): chr17:50,354,956, C>T. VCF-style: chr17-50354956-C-T. GRCh37 (hg19) VCF-style: chr17-48432317-C-T.
Other names: short protein forms L303F.
Identifiers: ClinVar variation 2112276 (VCV002112276.2), dbSNP rs1348568204, ClinGen allele CA400202294.
Genomic context (GRCh38, chr17:50,354,956, plus strand): 5'-GGCTATGATAACGTGCGGGTGACGCCCTGGCGCATGGTTACCATCTGGGGCGGGGCCAGC[C>T]TCCTGAGGATGTACCTGCGGAGCATGCGGGACCTGCTAGAGGTGCCTGGCTGGGCCTGGG-3'
Protein context (NP_071450.2, residues 293-313): RMVTIWGGAS[Leu303Phe]LRMYLRSMRD